The following is an entry in ClinVar:

ClinVar aggregate classification (germline): Uncertain significance (1 of 4 stars; one submission).

Conditions:
Inborn genetic diseases. Identifiers: MedGen C0950123, MeSH D030342.

gnomAD v4.1: 2 of 1,570,818 alleles (0.00013%); highest among the groups gnomAD compares: Non-Finnish European, 0.00017%; no homozygotes.

Submission:

Ambry Genetics
Classification: Uncertain significance for Inborn genetic diseases. Last evaluated: 2024-11-21. Review status: criteria provided, single submitter. Criteria: Ambry Variant Classification Scheme 2023. Collection method: clinical testing. Allele origin: germline.
Comment: The p.P879A variant (also known as c.2635C>G), located in coding exon 15 of the RECQL4 gene, results from a C to G substitution at nucleotide position 2635. The proline at codon 879 is replaced by alanine, an amino acid with highly similar properties. This amino acid position is conserved. Based on the available evidence, the clinical significance of this variant remains unclear.

NM_004260.4(RECQL4):c.2635C>G (p.Pro879Ala)

Gene: RECQL4 (RecQ like helicase 4; minus strand). Cytogenetic location: 8q24.3.
Variant type: single nucleotide variant.
Coding change: c.2635C>G on transcript NM_004260.4 (MANE Select); coding-DNA position 2635, C replaced by G.
Protein change: p.Pro879Ala; replaces proline 879 with alanine.
Molecular consequence: missense variant. On other transcripts: non-coding transcript variant (3).
Genome position (GRCh38, 1-based): chr8:144,512,967, G>C on the plus strand (C>G on the coding strand, the complement: RECQL4 is on the minus strand). VCF-style: chr8-144512967-G-C. GRCh37 (hg19) VCF-style: chr8-145738350-G-C.
Other names: c.2605C>G, p.Pro869Ala (NM_001413039.1); c.1564C>G, p.Pro522Ala (NM_001413040.1, NM_001413021.1, NM_001413022.1 and 5 more transcripts); c.1498C>G, p.Pro500Ala (NM_001413041.1, NM_001413027.1, NM_001413030.1 and 1 more transcripts); c.1534C>G, p.Pro512Ala (NM_001413042.1); c.1168C>G, p.Pro390Ala (NM_001413043.1); c.2341C>G, p.Pro781Ala (NM_001413017.1); c.2437C>G, p.Pro813Ala (NM_001413018.1); c.2635C>G, p.Pro879Ala (NM_001413019.1, NM_001413036.1); and 6 more; short protein forms P522A, P478A, P762A, P781A, P813A, P847A, P879A, P390A.
Identifiers: ClinVar variation 3313534 (VCV003313534.2).
Genomic context (GRCh38, chr8:144,512,967, plus strand): 5'-CCATGCAGACCCTTCTGGGTCCTGGGGCTGCTTGGTGGCTAAGCTGCTCAGCCTCTTGAG[G>C]GGGGTACTTGGGCACAGGCCTCTCCCCACCCACGGCCCCTTCCTGCTCCGAGGGCGGCCT-3'
Protein context (NP_004251.4, residues 869-889): GGERPVPKYP[Pro879Ala]QEAEQLSHQA